The following is an entry in ClinVar:

ClinVar aggregate classification (germline): Uncertain significance (1 of 4 stars; one submission).

gnomAD v4.1: 1 of 1,610,026 alleles (0.000062%); no homozygotes.

Submission:

Ambry Genetics
Classification: Uncertain significance. Last evaluated: 2024-01-01. Review status: criteria provided, single submitter. Criteria: Ambry Variant Classification Scheme 2023. Collection method: clinical testing. Allele origin: germline.
Comment: The p.R180L variant (also known as c.539G>T), located in coding exon 1 of the EGLN1 gene, results from a G to T substitution at nucleotide position 539. The arginine at codon 180 is replaced by leucine, an amino acid with dissimilar properties. This amino acid position is conserved. In addition, this alteration is predicted to be tolerated by in silico analysis. Since supporting evidence is limited at this time, the clinical significance of this alteration remains unclear.

NM_022051.3(EGLN1):c.539G>T (p.Arg180Leu)

Gene: EGLN1 (egl-9 family hypoxia inducible factor 1; minus strand). Cytogenetic location: 1q42.2.
Variant type: single nucleotide variant.
Coding change: c.539G>T on transcript NM_022051.3 (MANE Select); coding-DNA position 539, G replaced by T.
Protein change: p.Arg180Leu; replaces arginine 180 with leucine.
Molecular consequence: missense variant.
Genome position (GRCh38, 1-based): chr1:231,421,350, C>A on the plus strand (G>T on the coding strand, the complement: EGLN1 is on the minus strand). VCF-style: chr1-231421350-C-A. GRCh37 (hg19) VCF-style: chr1-231557096-C-A.
Other names: c.539G>T, p.Arg180Leu (NM_001377260.1, NM_001377261.1); short protein forms R180L.
Identifiers: ClinVar variation 3227727 (VCV003227727.1), dbSNP rs528520765, ClinGen allele CA345236705.